The following is an entry in ClinVar:

ClinVar aggregate classification (germline): Likely benign (0 of 4 stars; one submission).

Conditions:
SUN5-related disorder. Also called: SUN5-related condition.

Allele frequency attached by ClinVar (database versions not stated): ExAC 0.00007; TOPMed 0.00010; gnomAD 0.00011; gnomAD exomes 0.00018; ESP Exome Variant Server 0.00023.
gnomAD v4.1: 280 of 1,568,184 alleles (0.018%); highest among the groups gnomAD compares: Non-Finnish European, 0.022%; no homozygotes.

Submission:

PreventionGenetics, part of Exact Sciences
Classification: Likely benign for SUN5-related condition. Last evaluated: 2019-04-26. Review status: no assertion criteria provided. Collection method: clinical testing. Allele origin: germline.
Comment: This variant is classified as likely benign based on ACMG/AMP sequence variant interpretation guidelines (Richards et al. 2015 PMID: 25741868, with internal and published modifications).

NM_080675.4(SUN5):c.212-10T>C

Gene: SUN5 (Sad1 and UNC84 domain containing 5; minus strand). Cytogenetic location: 20q11.21.
Variant type: single nucleotide variant.
Coding change: c.212-10T>C on transcript NM_080675.4 (MANE Select); 10 bases into the intron before coding-DNA position 212, T replaced by C.
Molecular consequence: intron variant.
Genome position (GRCh38, 1-based): chr20:33,001,288, A>G on the plus strand (T>C on the coding strand, the complement: SUN5 is on the minus strand). VCF-style: chr20-33001288-A-G. GRCh37 (hg19) VCF-style: chr20-31589094-A-G.
Identifiers: ClinVar variation 3040125 (VCV003040125.2), dbSNP rs372936971, ClinGen allele CA9811965.